The following is an entry in ClinVar:

ClinVar aggregate classification (germline): Uncertain significance. Review status: criteria provided, multiple submitters, no conflicts (2 of 4 stars). 3 submissions from 3 submitters: Uncertain significance (3). Last evaluated 2025-06-05.

Conditions:
Desmin-related myofibrillar myopathy (MFM1). Also called: Myofibrillar myopathy 1; Desminopathy; Desmin related myopathy (former name); Desmin storage myopathy (former name); MYOFIBRILLAR MYOPATHY WITH ARRHYTHMOGENIC RIGHT VENTRICULAR CARDIOMYOPATHY; DESMIN-RELATED MYOPATHY WITH ARRHYTHMOGENIC RIGHT VENTRICULAR CARDIOMYOPATHY. Identifiers: Orphanet 363543, Orphanet 98909, MedGen C1832370, MONDO:0011076, OMIM 601419.

Allele frequency attached by ClinVar (database versions not stated): gnomAD 0.00001; TOPMed 0.00001.
gnomAD v4.1: 1 of 1,603,298 alleles (0.000062%); highest among the groups gnomAD compares: African/African-American, 0.0013%; no homozygotes.

Submissions (3):

Labcorp Genetics (formerly Invitae), Labcorp
Classification: Uncertain significance for Desmin-related myofibrillar myopathy. Last evaluated: 2025-06-05. Review status: criteria provided, single submitter. Criteria: Invitae Variant Classification Sherloc (09022015). Collection method: clinical testing. Allele origin: germline.
Comment: This sequence change replaces serine, which is neutral and polar, with cysteine, which is neutral and slightly polar, at codon 31 of the DES protein (p.Ser31Cys). This variant is not present in population databases (gnomAD no frequency). This variant has not been reported in the literature in individuals affected with DES-related conditions. ClinVar contains an entry for this variant (Variation ID: 500669). Invitae Evidence Modeling of protein sequence and biophysical properties (such as structural, functional, and spatial information, amino acid conservation, physicochemical variation, residue mobility, and thermodynamic stability) has been performed for this missense variant. However, the output from this modeling did not meet the statistical confidence thresholds required to predict the impact of this variant on DES protein function. In summary, the available evidence is currently insufficient to determine the role of this variant in disease. Therefore, it has been classified as a Variant of Uncertain Significance.

GeneDx
Classification: Uncertain significance. Last evaluated: 2022-10-27. Review status: criteria provided, single submitter. Criteria: GeneDx Variant Classification Process June 2021. Collection method: clinical testing. Allele origin: germline. Affected: yes.
Comment: Not observed at significant frequency in large population cohorts (gnomAD); In silico analysis supports that this missense variant does not alter protein structure/function; Has not been previously published as pathogenic or benign to our knowledge; This variant is associated with the following publications: (PMID: 26807690, 30564623)

Eurofins Ntd Llc (ga)
Classification: Uncertain significance. Last evaluated: 2017-02-28. Review status: criteria provided, single submitter. Criteria: EGL Classification Definitions 2015. Collection method: clinical testing. Allele origin: germline. Observed: 1 variant allele, 1 heterozygote.

NM_001927.4(DES):c.91A>T (p.Ser31Cys)

Gene: DES (desmin; plus strand). Cytogenetic location: 2q35.
Variant type: single nucleotide variant.
Coding change: c.91A>T on transcript NM_001927.4 (MANE Select); coding-DNA position 91, A replaced by T.
Protein change: p.Ser31Cys; replaces serine 31 with cysteine.
Molecular consequence: missense variant.
Genome position (GRCh38, 1-based): chr2:219,418,553, A>T. VCF-style: chr2-219418553-A-T. GRCh37 (hg19) VCF-style: chr2-220283275-A-T.
Other names: c.91A>T (NM_001927.3); short protein forms S31C.
Identifiers: ClinVar variation 500669 (VCV000500669.8), dbSNP rs1553603207, ClinGen allele CA350682818.